The following is an entry in ClinVar:

ClinVar aggregate classification (germline): Uncertain significance (1 of 4 stars; one submission).

Conditions:
Distal hereditary motor neuropathy type 2. Identifiers: Orphanet 139525, MedGen C3711384, MeSH C580044, MONDO:0015352.

Allele frequency attached by ClinVar (database versions not stated): ExAC 0.00007; 1000 Genomes Project 30x 0.00016; gnomAD exomes 0.00007; 1000 Genomes Project 0.00020; TOPMed 0.00004; gnomAD 0.00005 and 0.00004; ESP Exome Variant Server 0.00015.
gnomAD v4.1: 75 of 1,614,140 alleles (0.0046%); highest among the groups gnomAD compares: Middle Eastern, 0.016%; no homozygotes.

Submission:

Labcorp Genetics (formerly Invitae), Labcorp
Classification: Uncertain significance for Distal hereditary motor neuropathy type 2. Last evaluated: 2024-10-29. Review status: criteria provided, single submitter. Criteria: Invitae Variant Classification Sherloc (09022015). Collection method: clinical testing. Allele origin: germline.
Comment: This sequence change replaces glutamic acid, which is acidic and polar, with lysine, which is basic and polar, at codon 738 of the FBXO38 protein (p.Glu738Lys). This variant is present in population databases (rs141211499, gnomAD 0.01%). This variant has not been reported in the literature in individuals affected with FBXO38-related conditions. ClinVar contains an entry for this variant (Variation ID: 566193). Invitae Evidence Modeling of protein sequence and biophysical properties (such as structural, functional, and spatial information, amino acid conservation, physicochemical variation, residue mobility, and thermodynamic stability) indicates that this missense variant is not expected to disrupt FBXO38 protein function with a negative predictive value of 80%. In summary, the available evidence is currently insufficient to determine the role of this variant in disease. Therefore, it has been classified as a Variant of Uncertain Significance.

NM_205836.3(FBXO38):c.2212G>A (p.Glu738Lys)

Gene: FBXO38 (F-box protein 38; plus strand). Cytogenetic location: 5q32.
Variant type: single nucleotide variant.
Coding change: c.2212G>A on transcript NM_205836.3 (MANE Select); coding-DNA position 2212, G replaced by A.
Protein change: p.Glu738Lys; replaces glutamic acid 738 with lysine.
Molecular consequence: missense variant. On other transcripts: intron variant (1).
Genome position (GRCh38, 1-based): chr5:148,427,506, G>A. VCF-style: chr5-148427506-G-A. GRCh37 (hg19) VCF-style: chr5-147807069-G-A.
Other names: c.2212G>A, p.Glu738Lys (NM_030793.5); c.1918+1805G>A (NM_001271723.2); short protein forms E738K.
Identifiers: ClinVar variation 566193 (VCV000566193.10), dbSNP rs141211499, ClinGen allele CA3497473.